The following is an entry in ClinVar:

NM_000038.6(APC):c.477C>A (p.Tyr159Ter)

Gene: APC (APC regulator of Wnt signaling pathway; plus strand). Cytogenetic location: 5q22.2.
Variant type: single nucleotide variant.
Coding change: c.477C>A on transcript NM_000038.6 (MANE Select); coding-DNA position 477, C replaced by A.
Protein change: p.Tyr159Ter; replaces tyrosine 159 with a stop codon.
Molecular consequence: nonsense. On other transcripts: 5 prime UTR variant (1).
Genome position (GRCh38, 1-based): chr5:112,775,683, C>A. VCF-style: chr5-112775683-C-A. GRCh37 (hg19) VCF-style: chr5-112111380-C-A.
Other names: c.477C>A, p.Tyr159Ter (NM_001127510.3, NM_001354895.2, NM_001354896.2 and 2 more transcripts); c.507C>A, p.Tyr169Ter (NM_001127511.3, NM_001354897.2, NM_001354902.2); c.402C>A, p.Tyr134Ter (NM_001354898.2, NM_001354904.2); c.300C>A, p.Tyr100Ter (NM_001354900.2, NM_001354901.2, NM_001354905.2); c.-559C>A (NM_001354906.2); short protein forms Y100*, Y134*, Y159*, Y169*.
Identifiers: ClinVar variation 928697 (VCV000928697.6), dbSNP rs863224281, ClinGen allele CA16022367.

ClinVar aggregate classification (germline): Pathogenic. Review status: criteria provided, multiple submitters, no conflicts (2 of 4 stars). 3 submissions from 3 submitters: Pathogenic (3). Last evaluated 2023-10-27.

Conditions:
Familial multiple polyposis syndrome (FAP). Also called: Classic familial adenomatous polyposis; Familial polyposis; Familial adenomatous polyposis; Familial intestinal polyposis; Familial Adenomatous Polyposis (FAP). Identifiers: Orphanet 733, MedGen C0032580, MONDO:0021055. Disease mechanism: loss of function.
Familial adenomatous polyposis 1 (FAP1). Also called: FAMILIAL ADENOMATOUS POLYPOSIS 1, ATTENUATED; POLYPOSIS, ADENOMATOUS INTESTINAL. Identifiers: MedGen C2713442, MONDO:0021056, OMIM 175100. Disease mechanism: loss of function.

Submissions (3):

Labcorp Genetics (formerly Invitae), Labcorp
Classification: Pathogenic for Familial adenomatous polyposis 1. Last evaluated: 2023-10-27. Review status: criteria provided, single submitter. Criteria: Invitae Variant Classification Sherloc (09022015). Collection method: clinical testing. Allele origin: germline.
Comment: This sequence change creates a premature translational stop signal (p.Tyr159*) in the APC gene. It is expected to result in an absent or disrupted protein product. Loss-of-function variants in APC are known to be pathogenic (PMID: 17963004, 20685668). This variant is not present in population databases (gnomAD no frequency). This premature translational stop signal has been observed in individual(s) with familial adenomatous polyposis (PMID: 21779980, 27623068). ClinVar contains an entry for this variant (Variation ID: 928697). For these reasons, this variant has been classified as Pathogenic.

Myriad Genetics, Inc.
Classification: Pathogenic for Familial adenomatous polyposis 1. Last evaluated: 2023-04-26. Review status: criteria provided, single submitter. Criteria: Myriad Autosomal Dominant, Autosomal Recessive and X-Linked Classification Criteria (2023). Collection method: clinical testing. Allele origin: unknown.
Comment: This variant is considered pathogenic. This variant creates a termination codon and is predicted to result in premature protein truncation.

Women's Health and Genetics/Laboratory Corporation of America, LabCorp
Classification: Pathogenic for Familial adenomatous polyposis. Last evaluated: 2019-09-12. Review status: criteria provided, single submitter. Criteria: LabCorp Variant Classification Summary - May 2015. Collection method: clinical testing. Allele origin: germline.
Comment: Variant summary: APC c.477C>A (p.Tyr159X) results in a premature termination codon, predicted to cause a truncation of the encoded protein or absence of the protein due to nonsense mediated decay, which are commonly known mechanisms for disease. The variant was absent in 247504 control chromosomes (gnomAD). c.477C>A has been reported in the literature in individuals affected with Familial Adenomatous Polyposis (Uchino_2016, Jarry_2011). A different nucleotide change (c.477C>G) resulting in the same codon effect (p.Tyr159X) has been cited as pathogenic in ClinVar (Variation ID: 246084) by two submitters (evaluation after 2014) and has been reported in multiple affected individuals (PMID: 19701947, 15951963, 20223039). These data indicate that the variant is very likely to be associated with disease. No clinical diagnostic laboratories have submitted clinical-significance assessments for this variant to ClinVar after 2014. Based on the evidence outlined above, the variant was classified as pathogenic.

Literature cited by the submitters: PubMed 17963004 (cited by Labcorp Genetics (formerly Invitae), Labcorp); PubMed 20685668 (cited by Labcorp Genetics (formerly Invitae), Labcorp); PubMed 21779980 (cited by Labcorp Genetics (formerly Invitae), Labcorp and Women's Health and Genetics/Laboratory Corporation of America, LabCorp); PubMed 27623068 (cited by Labcorp Genetics (formerly Invitae), Labcorp and Women's Health and Genetics/Laboratory Corporation of America, LabCorp); PubMed 19701947 (cited by Women's Health and Genetics/Laboratory Corporation of America, LabCorp).